The following is an entry in ClinVar:

NM_003705.5(SLC25A12):c.1492T>C (p.Tyr498His)

Gene: SLC25A12 (solute carrier family 25 member 12; minus strand). Cytogenetic location: 2q31.1.
Variant type: single nucleotide variant.
Coding change: c.1492T>C on transcript NM_003705.5 (MANE Select); coding-DNA position 1492, T replaced by C.
Protein change: p.Tyr498His; replaces tyrosine 498 with histidine.
Molecular consequence: missense variant. On other transcripts: non-coding transcript variant (1).
Genome position (GRCh38, 1-based): chr2:171,791,544, A>G on the plus strand (T>C on the coding strand, the complement: SLC25A12 is on the minus strand). VCF-style: chr2-171791544-A-G. GRCh37 (hg19) VCF-style: chr2-172648054-A-G.
Other names: short protein forms Y498H.
Identifiers: ClinVar variation 943689 (VCV000943689.9), dbSNP rs1174844861, ClinGen allele CA349288849.

ClinVar aggregate classification (germline): Uncertain significance (1 of 4 stars; one submission).

Allele frequency attached by ClinVar (database versions not stated): gnomAD exomes below 0.00001.
gnomAD v4.1: 1 of 1,613,740 alleles (0.000062%); highest among the groups gnomAD compares: African/African-American, 0.0013%; no homozygotes.

Submission:

Labcorp Genetics (formerly Invitae), Labcorp
Classification: Uncertain significance. Last evaluated: 2024-12-02. Review status: criteria provided, single submitter. Criteria: Invitae Variant Classification Sherloc (09022015). Collection method: clinical testing. Allele origin: germline.
Comment: This sequence change replaces tyrosine, which is neutral and polar, with histidine, which is basic and polar, at codon 498 of the SLC25A12 protein (p.Tyr498His). This variant is not present in population databases (gnomAD no frequency). This variant has not been reported in the literature in individuals affected with SLC25A12-related conditions. ClinVar contains an entry for this variant (Variation ID: 943689). Invitae Evidence Modeling of protein sequence and biophysical properties (such as structural, functional, and spatial information, amino acid conservation, physicochemical variation, residue mobility, and thermodynamic stability) indicates that this missense variant is expected to disrupt SLC25A12 protein function with a positive predictive value of 80%. In summary, the available evidence is currently insufficient to determine the role of this variant in disease. Therefore, it has been classified as a Variant of Uncertain Significance.